The following is an entry in ClinVar:

NM_006363.6(SEC23B):c.211A>C (p.Asn71His)

Gene: SEC23B (SEC23 homolog B, COPII component; plus strand). Cytogenetic location: 20p11.23.
Variant type: single nucleotide variant.
Coding change: c.211A>C on transcript NM_006363.6 (MANE Select); coding-DNA position 211, A replaced by C.
Protein change: p.Asn71His; replaces asparagine 71 with histidine.
Molecular consequence: missense variant.
Genome position (GRCh38, 1-based): chr20:18,511,046, A>C. VCF-style: chr20-18511046-A-C. GRCh37 (hg19) VCF-style: chr20-18491690-A-C.
Other names: c.211A>C (NM_006363.4); c.211A>C, p.Asn71His (NM_001172745.3, NM_001172746.3, NM_032985.6 and 1 more transcripts); short protein forms N71H.
Identifiers: ClinVar variation 998436 (VCV000998436.5), dbSNP rs2059977897, ClinGen allele CA408355924.

ClinVar aggregate classification (germline): Uncertain significance. Review status: criteria provided, multiple submitters, no conflicts (2 of 4 stars). 2 submissions from 2 submitters: Uncertain significance (2). Last evaluated 2023-02-15.

Conditions:
SEC23B-related disorder. Also called: SEC23B-related condition; SEC23B-related disorders.
Cowden syndrome 7 (CWS7). Identifiers: Orphanet 201, MedGen C4225179, MONDO:0014802, OMIM 616858.
Congenital dyserythropoietic anemia, type II (CDAN2). Also called: DYSERYTHROPOIETIC ANEMIA, HEMPAS TYPE. Identifiers: Orphanet 98873, MedGen C1306589, MONDO:0009134, OMIM 224100.

Submissions (2):

PreventionGenetics, part of Exact Sciences
Classification: Uncertain significance for SEC23B-related condition. Last evaluated: 2023-02-15. Review status: criteria provided, single submitter. Criteria: ACMG Guidelines, 2015. Collection method: clinical testing. Allele origin: germline.
Comment: The SEC23B c.211A>C variant is predicted to result in the amino acid substitution p.Asn71His. This variant was reported in an individual with congenital dyserythropoietic anemia (Table S2 Bianchi et al 2016. PubMed ID: 27471141). This variant has not been reported in a large population database, indicating this variant is rare. Although we suspect that this variant may be pathogenic, at this time, the clinical significance of this variant is uncertain due to the absence of conclusive functional and genetic evidence.

Labcorp Genetics (formerly Invitae), Labcorp
Classification: Uncertain significance for Congenital dyserythropoietic anemia, type II; Cowden syndrome 7. Last evaluated: 2021-09-01. Review status: criteria provided, single submitter. Criteria: Invitae Variant Classification Sherloc (09022015). Collection method: clinical testing. Allele origin: germline.